The following is an entry in ClinVar:

NM_002016.2(FLG):c.5948del (p.Glu1983fs)

Genes: CCDST (cervical cancer associated DHX9 suppressive transcript; plus strand), FLG (filaggrin; minus strand). Cytogenetic location: 1q21.3.
Variant type: Deletion.
Coding change: c.5948del on transcript NM_002016.2 (MANE Select); coding-DNA position 5948, one base deleted (A; older notation c.5948delA).
Protein change: p.Glu1983fs; shifts the reading frame from glutamic acid 1983.
Molecular consequence: frameshift variant.
Genome position (GRCh38, 1-based): chr1:152,308,938, T deleted on the plus strand (A on the coding strand, the reverse complement: FLG is on the minus strand). VCF-style (leftmost placement, unchanged base first): chr1-152308937-CT-C. GRCh37 (hg19) VCF-style: chr1-152281413-CT-C.
Other names: short protein forms E1983fs.
Identifiers: ClinVar variation 5007615 (VCV005007615.2).

ClinVar aggregate classification (germline): Uncertain significance (1 of 4 stars; one submission).

Conditions:
Ichthyosis vulgaris. Also called: ICHTHYOSIS SIMPLEX; Dominant ichthyosis vulgaris. Identifiers: MedGen C0079584, MONDO:0024304, OMIM 146700.
Dermatitis, atopic, 2. Identifiers: MedGen C1853965, MONDO:0011596, OMIM 605803.

Submission:

Juno Genomics, Hangzhou Juno Genomics, Inc
Classification: Uncertain significance for Dermatitis, atopic, 2; Ichthyosis vulgaris. Review status: criteria provided, single submitter. Criteria: ACMG Guidelines, 2015. Collection method: clinical testing. Allele origin: germline.
Comment: Absent from controls (or at extremely low frequency if recessive) in Genome Aggregation Database.;Null variant in a gene where loss of function (LOF) is a known mechanism of disease.